The following is an entry in ClinVar:

NM_000166.6(GJB1):c.689G>A (p.Arg230His)

Gene: GJB1 (gap junction protein beta 1; plus strand). Cytogenetic location: Xq13.1.
Variant type: single nucleotide variant.
Coding change: c.689G>A on transcript NM_000166.6 (MANE Select); coding-DNA position 689, G replaced by A.
Protein change: p.Arg230His; replaces arginine 230 with histidine.
Molecular consequence: missense variant.
Genome position (GRCh38, 1-based): chrX:71,224,396, G>A. VCF-style: chrX-71224396-G-A. GRCh37 (hg19) VCF-style: chrX-70444246-G-A.
Other names: c.689G>A, p.Arg230His (NM_001097642.3); short protein forms R230H.
Identifiers: ClinVar variation 870715 (VCV000870715.43), dbSNP rs780335726, ClinGen allele CA10445333.

ClinVar aggregate classification (germline): Uncertain significance. Review status: criteria provided, multiple submitters, no conflicts (2 of 4 stars). 2 submissions from 2 submitters: Uncertain significance (2). Last evaluated 2019-11-08.

Conditions:
Inborn genetic diseases. Identifiers: MedGen C0950123, MeSH D030342.

Allele frequency attached by ClinVar (database versions not stated): ExAC 0.00001.

Submissions (2):

Ambry Genetics
Classification: Uncertain significance for Inborn genetic diseases. Last evaluated: 2019-11-08. Review status: criteria provided, single submitter. Criteria: Ambry Variant Classification Scheme 2023. Collection method: clinical testing. Allele origin: germline.
Comment: The p.R230H variant (also known as c.689G>A), located in coding exon 1 of the GJB1 gene, results from a G to A substitution at nucleotide position 689. The arginine at codon 230 is replaced by histidine, an amino acid with highly similar properties. This amino acid position is well conserved in available vertebrate species. In addition, the in silico prediction for this alteration is inconclusive. Since supporting evidence is limited at this time, the clinical significance of this alteration remains unclear.

CeGaT Center for Human Genetics Tuebingen
Classification: Uncertain significance. Last evaluated: 2019-10-01. Review status: criteria provided, single submitter. Criteria: CeGaT Center For Human Genetics Tuebingen Variant Classification Criteria Version 2. Collection method: clinical testing. Allele origin: germline. Affected: yes. Observed: 2 variant alleles.